The following is an entry in ClinVar:

ClinVar aggregate classification (germline): Pathogenic (1 of 4 stars; one submission).

Conditions:
Fanconi anemia (FA). Also called: Fanconi's anemia. Identifiers: Orphanet 84, MedGen C0015625, MeSH D005199, MONDO:0019391.

Submission:

Labcorp Genetics (formerly Invitae), Labcorp
Classification: Pathogenic for Fanconi anemia. Last evaluated: 2023-12-27. Review status: criteria provided, single submitter. Criteria: Invitae Variant Classification Sherloc (09022015). Collection method: clinical testing. Allele origin: unknown.
Comment: This variant is a gross deletion of the genomic region encompassing exon(s) 4-36 of the FANCA gene. This deletion is out-of-frame, and is expected to create a premature termination codon and result in an absent or disrupted protein product. Loss-of-function variants in FANCA are known to be pathogenic (PMID: 19367192). This variant has not been reported in the literature in individuals affected with FANCA-related conditions. For these reasons, this variant has been classified as Pathogenic.

Literature cited by the submitters: PubMed 19367192.

NC_000016.9:g.(?_89811347)_(89877499_?)del

Gene: FANCA (FA complementation group A; minus strand). Cytogenetic location: 16q24.3.
Variant type: Deletion.
Identifiers: ClinVar variation 3243279 (VCV003243279.1).